The following is an entry in ClinVar:

ClinVar aggregate classification (germline): Pathogenic/Likely pathogenic. Review status: criteria provided, multiple submitters, no conflicts (2 of 4 stars). 2 submissions from 2 submitters: Pathogenic (1); Likely pathogenic (1). Last evaluated 2026-09-08.

Conditions:
Fabry disease. Also called: Fabry's disease; ANDERSON-FABRY DISEASE; CERAMIDE TRIHEXOSIDASE DEFICIENCY; Angiokeratoma corporis diffusum; GLA DEFICIENCY; HEREDITARY DYSTOPIC LIPIDOSIS. Identifiers: Orphanet 324, MedGen C0002986, MONDO:0010526, OMIM 301500, HP:0001071. Disease mechanism: loss of function, Fabry disease is due to inactivating mutations in the X-linked GLA gene resulting in deficiency of the enzyme Alpha Galactosidase-A..

Submissions (2):

Genomenon, Inc
Classification: Pathogenic for Fabry disease. Last evaluated: 2026-09-08. Review status: criteria provided, single submitter. Criteria: Genomenon Sequence Variant Interpretation Standards - Updated. Collection method: curation. Allele origin: germline. Affected: yes.
Comment: GLA p.Trp349Arg (c.1045T>C) is a missense variant that changes the amino acid at codon 349 from Tryptophan to Arginine. This variant has been observed in at least one proband with clinical features consistent with Fabry disease (PMID:31981984;20505683;27334365;25974833). The variant was found to segregate with disease in at least one affected family (PMID:27334365). At least one functional study has demonstrated a substantial alteration in protein function relative to the wild-type (PMID:27657681;20505683). It is absent or not present at a significant frequency in gnomAD. In silico models predict that this variant is possibly or probably damaging. In conclusion, we classify GLA p.Trp349Arg (c.1045T>C) as a pathogenic variant.

Women's Health and Genetics/Laboratory Corporation of America, LabCorp
Classification: Likely pathogenic for Fabry disease. Last evaluated: 2019-12-03. Review status: criteria provided, single submitter. Criteria: LabCorp Variant Classification Summary - May 2015. Collection method: clinical testing. Allele origin: germline.
Comment: Variant summary: GLA c.1045T>C (p.Trp349Arg) results in a non-conservative amino acid change located in the Alpha galactosidase A, C-terminal beta-sandwich domain of the encoded protein sequence. Five of five in-silico tools predict a damaging effect of the variant on protein function. The variant was absent in 183139 control chromosomes. c.1045T>C has been reported in the literature in individuals affected with Fabry Disease (Echevarria_2015, Lee_2010). In vitro data shows the variant to result in <10% of wild-type GLA activity (Lee_2010). No clinical diagnostic laboratories have submitted clinical-significance assessments for this variant to ClinVar after 2014. Based on the evidence outlined above, the variant was classified as likely pathogenic.

Literature cited by the submitters: PubMed 31981984 (cited by Genomenon, Inc); PubMed 20505683 (cited by Genomenon, Inc and Women's Health and Genetics/Laboratory Corporation of America, LabCorp); PubMed 27334365 (cited by Genomenon, Inc); PubMed 25974833 (cited by Genomenon, Inc and Women's Health and Genetics/Laboratory Corporation of America, LabCorp); PubMed 27657681 (cited by Genomenon, Inc).

NM_000169.3(GLA):c.1045T>C (p.Trp349Arg)

Genes: GLA (galactosidase alpha; minus strand), RPL36A-HNRNPH2 (RPL36A-HNRNPH2 readthrough; plus strand). Cytogenetic location: Xq22.1.
Variant type: single nucleotide variant.
Coding change: c.1045T>C on transcript NM_000169.3 (MANE Select); coding-DNA position 1045, T replaced by C.
Protein change: p.Trp349Arg; replaces tryptophan 349 with arginine.
Molecular consequence: missense variant. On other transcripts: non-coding transcript variant (3), intron variant (2).
Genome position (GRCh38, 1-based): chrX:101,398,054, A>G on the plus strand (T>C on the coding strand, the complement: GLA is on the minus strand). VCF-style: chrX-101398054-A-G. GRCh37 (hg19) VCF-style: chrX-100653042-A-G.
Other names: c.1168T>C, p.Trp390Arg (NM_001406747.1); c.300+2597A>G (NM_001199973.2); c.177+6232A>G (NM_001199974.2); short protein forms W349R, W390R.
Identifiers: ClinVar variation 928970 (VCV000928970.3), dbSNP rs1928137126, ClinGen allele CA413921097.
Genomic context (GRCh38, chrX:101,398,054, plus strand): 5'-CTGCGATGGTATAAGAGCGAGGTCCACCAATCTCCTGCCGGTTTATCATAGCTACAGCCC[A>G]GGCTAAGCCTGAGAGAGGTCGTTCCCACACTTCAAAGTTGTCTCCCTGAAAAACCAAGAA-3'
Protein context (NP_000160.1, residues 339-359): VWERPLSGLA[Trp349Arg]AVAMINRQEI